The following is an entry in ClinVar:

ClinVar aggregate classification (germline): Uncertain significance (1 of 4 stars; one submission).

Conditions:
SEMA3B-related disorder. Also called: SEMA3B-related condition.

gnomAD v4.1: 10 of 1,613,338 alleles (0.00062%); highest among the groups gnomAD compares: East Asian, 0.018%; no homozygotes.

Submission:

PreventionGenetics, part of Exact Sciences
Classification: Uncertain significance for SEMA3B-related condition. Last evaluated: 2024-11-05. Review status: criteria provided, single submitter. Criteria: ACMG Guidelines, 2015. Collection method: clinical testing. Allele origin: germline.
Comment: The SEMA3B c.1150A>G variant is predicted to result in the amino acid substitution p.Met384Val. This variant may also alter splicing based on in silico algorithms (SpliceAI, Jaganathan K, et al. 2019. PubMed ID: 30661751). To our knowledge, this variant has not been reported in the literature. This variant is reported in 0.045% of alleles in individuals of East Asian descent in gnomAD. At this time, the clinical significance of this variant is uncertain due to the absence of conclusive functional and genetic evidence.

NM_001290060.2(SEMA3B):c.1135A>G (p.Met379Val)

Gene: SEMA3B (semaphorin 3B; plus strand). Cytogenetic location: 3p21.31.
Variant type: single nucleotide variant.
Coding change: c.1135A>G on transcript NM_001290060.2 (MANE Select); coding-DNA position 1135, A replaced by G.
Protein change: p.Met379Val; replaces methionine 379 with valine.
Molecular consequence: missense variant.
Genome position (GRCh38, 1-based): chr3:50,274,055, A>G. VCF-style: chr3-50274055-A-G. GRCh37 (hg19) VCF-style: chr3-50311486-A-G.
Other names: c.1132A>G, p.Met378Val (NM_001005914.3, NM_001435957.1, NM_001435958.1); c.1150A>G, p.Met384Val (NM_001290061.1); c.106A>G, p.Met36Val (NM_001290062.2, NM_001290063.2); c.1135A>G, p.Met379Val (NM_001435956.1, NM_004636.4); short protein forms M378V, M36V, M379V, M384V.
Identifiers: ClinVar variation 4979171 (VCV004979171.1).